The following is an entry in ClinVar:

ClinVar aggregate classification (germline): Uncertain significance (1 of 4 stars; one submission).

Conditions:
Hyperkalemic periodic paralysis. Also called: Familial hyperkalemic periodic paralysis; Gamstorp disease. Identifiers: Orphanet 682, MedGen C0238357, MONDO:0008224, OMIM 170500, HP:0007215.

Allele frequency attached by ClinVar (database versions not stated): gnomAD exomes below 0.00001; gnomAD 0.00002; TOPMed 0.00003.
gnomAD v4.1: 3 of 1,612,356 alleles (0.00019%); highest among the groups gnomAD compares: African/African-American, 0.004%; no homozygotes.

Submission:

Labcorp Genetics (formerly Invitae), Labcorp
Classification: Uncertain significance for Hyperkalemic periodic paralysis. Last evaluated: 2024-08-23. Review status: criteria provided, single submitter. Criteria: Invitae Variant Classification Sherloc (09022015). Collection method: clinical testing. Allele origin: germline.
Comment: This sequence change falls in intron 17 of the SCN4A gene. It does not directly change the encoded amino acid sequence of the SCN4A protein. It affects a nucleotide within the consensus splice site. This variant is present in population databases (no rsID available, gnomAD 0.01%). This variant has not been reported in the literature in individuals affected with SCN4A-related conditions. ClinVar contains an entry for this variant (Variation ID: 1425527). Variants that disrupt the consensus splice site are a relatively common cause of aberrant splicing (PMID: 17576681, 9536098). Algorithms developed to predict the effect of sequence changes on RNA splicing suggest that this variant may disrupt the consensus splice site. In summary, the available evidence is currently insufficient to determine the role of this variant in disease. Therefore, it has been classified as a Variant of Uncertain Significance.

Literature cited by the submitters: PubMed 17576681; PubMed 9536098.

NM_000334.4(SCN4A):c.3318+6T>C

Genes: SCN4A (sodium voltage-gated channel alpha subunit 4; minus strand), GH-LCR (growth hormone locus control region; plus strand). Cytogenetic location: 17q23.3.
Variant type: single nucleotide variant.
Coding change: c.3318+6T>C on transcript NM_000334.4 (MANE Select); 6 bases into the intron after coding-DNA position 3318, T replaced by C.
Molecular consequence: intron variant.
Genome position (GRCh38, 1-based): chr17:63,947,884, A>G on the plus strand (T>C on the coding strand, the complement: SCN4A is on the minus strand). VCF-style: chr17-63947884-A-G. GRCh37 (hg19) VCF-style: chr17-62025244-A-G.
Identifiers: ClinVar variation 1425527 (VCV001425527.6), dbSNP rs981437343, ClinGen allele CA292962832.